The following is an entry in ClinVar:

NM_031844.3(HNRNPU):c.991A>G (p.Lys331Glu)

Gene: HNRNPU (heterogeneous nuclear ribonucleoprotein U; minus strand). Cytogenetic location: 1q44.
Variant type: single nucleotide variant.
Coding change: c.991A>G on transcript NM_031844.3 (MANE Select); coding-DNA position 991, A replaced by G.
Protein change: p.Lys331Glu; replaces lysine 331 with glutamic acid.
Molecular consequence: missense variant.
Genome position (GRCh38, 1-based): chr1:244,860,361, T>C on the plus strand (A>G on the coding strand, the complement: HNRNPU is on the minus strand). VCF-style: chr1-244860361-T-C. GRCh37 (hg19) VCF-style: chr1-245023663-T-C.
Other names: c.934A>G, p.Lys312Glu (NM_004501.3); c.991A>G (NM_031844.2); short protein forms K331E, K312E.
Identifiers: ClinVar variation 1388643 (VCV001388643.12), dbSNP rs375383329, ClinGen allele CA1486607.

ClinVar aggregate classification (germline): Conflicting classifications of pathogenicity. Review status: criteria provided, conflicting classifications (1 of 4 stars). 3 submissions from 3 submitters: Uncertain significance (2); Likely benign (1). Last evaluated 2025-08-04.

Conditions:
Developmental and epileptic encephalopathy, 54. Also called: HNRNPU-Related Neurodevelopmental Disorder; Epileptic encephalopathy, early infantile, 54. Identifiers: MedGen C4479319, MONDO:0033363, OMIM 617391.
Inborn genetic diseases. Identifiers: MedGen C0950123, MeSH D030342.

Allele frequency attached by ClinVar (database versions not stated): gnomAD exomes below 0.00001 and 0.00001; ExAC 0.00001; gnomAD 0.00001; TOPMed 0.00002; ESP Exome Variant Server 0.00008.
gnomAD v4.1: 8 of 1,610,006 alleles (0.0005%); highest among the groups gnomAD compares: South Asian, 0.0011%; no homozygotes.

Submissions (3):

Ambry Genetics
Classification: Likely benign for Inborn genetic diseases. Last evaluated: 2025-08-04. Review status: criteria provided, single submitter. Criteria: Ambry Variant Classification Scheme 2023. Collection method: clinical testing. Allele origin: germline.

Labcorp Genetics (formerly Invitae), Labcorp
Classification: Uncertain significance for Developmental and epileptic encephalopathy, 54. Last evaluated: 2025-04-10. Review status: criteria provided, single submitter. Criteria: Invitae Variant Classification Sherloc (09022015). Collection method: clinical testing. Allele origin: germline.
Comment: This sequence change replaces lysine, which is basic and polar, with glutamic acid, which is acidic and polar, at codon 331 of the HNRNPU protein (p.Lys331Glu). This variant is present in population databases (rs375383329, gnomAD 0.003%). This missense change has been observed in individual(s) with clinical features of developmental and epileptic encephalopathy (internal data). ClinVar contains an entry for this variant (Variation ID: 1388643). Invitae Evidence Modeling of protein sequence and biophysical properties (such as structural, functional, and spatial information, amino acid conservation, physicochemical variation, residue mobility, and thermodynamic stability) indicates that this missense variant is not expected to disrupt HNRNPU protein function with a negative predictive value of 95%. In summary, the available evidence is currently insufficient to determine the role of this variant in disease. Therefore, it has been classified as a Variant of Uncertain Significance.

Revvity Omics, Revvity
Classification: Uncertain significance for Developmental and epileptic encephalopathy, 54. Last evaluated: 2022-03-31. Review status: criteria provided, single submitter. Criteria: ACMG Guidelines, 2015. Collection method: clinical testing. Allele origin: germline.